The following is an entry in ClinVar:

ClinVar aggregate classification (germline): Uncertain significance (1 of 4 stars; one submission).

gnomAD v4.1: 15 of 1,613,692 alleles (0.00093%); highest among the groups gnomAD compares: South Asian, 0.0066%; no homozygotes.

Submission:

GeneDx
Classification: Uncertain significance. Last evaluated: 2024-08-07. Review status: criteria provided, single submitter. Criteria: GeneDx Variant Classification Process June 2021. Collection method: clinical testing. Allele origin: germline. Affected: yes.
Comment: In silico analysis indicates that this missense variant does not alter protein structure/function; Has not been previously published as pathogenic or benign to our knowledge

NM_006940.6(SOX5):c.1136G>A (p.Ser379Asn)

Gene: SOX5 (SRY-box transcription factor 5; minus strand). Cytogenetic location: 12p12.1.
Variant type: single nucleotide variant.
Coding change: c.1136G>A on transcript NM_006940.6 (MANE Select); coding-DNA position 1136, G replaced by A.
Protein change: p.Ser379Asn; replaces serine 379 with asparagine.
Molecular consequence: missense variant.
Genome position (GRCh38, 1-based): chr12:23,604,415, C>T on the plus strand (G>A on the coding strand, the complement: SOX5 is on the minus strand). VCF-style: chr12-23604415-C-T. GRCh37 (hg19) VCF-style: chr12-23757349-C-T.
Other names: c.1097G>A, p.Ser366Asn (NM_001261414.3, NM_152989.5); c.1106G>A, p.Ser369Asn (NM_001261415.3); c.1031G>A, p.Ser344Asn (NM_001330785.2); short protein forms S344N, S366N, S369N, S379N.
Identifiers: ClinVar variation 3603081 (VCV003603081.1).